The following is an entry in ClinVar:

ClinVar aggregate classification (germline): Uncertain significance. Review status: criteria provided, multiple submitters, no conflicts (2 of 4 stars). 3 submissions from 3 submitters: Uncertain significance (3). Last evaluated 2025-04-01.

Conditions:
Polycystic kidney disease, adult type (PKD1). Also called: Polycystic Kidney, Autosomal Dominant; POLYCYSTIC KIDNEY DISEASE, ADULT, TYPE I; Polycystic Kidney Disease 1, Autosomal Dominant; Polycystic kidney disease 1; Polycystic kidney disease 1, severe; POLYCYSTIC KIDNEY DISEASE 1 WITH OR WITHOUT POLYCYSTIC LIVER DISEASE. Identifiers: MedGen C3149841, MONDO:0008263, OMIM 173900.

gnomAD v4.1: 18 of 1,587,502 alleles (0.0011%); highest among the groups gnomAD compares: African/African-American, 0.004%; no homozygotes.

Submissions (3):

Women's Health and Genetics/Laboratory Corporation of America, LabCorp
Classification: Uncertain significance. Last evaluated: 2025-04-01. Review status: criteria provided, single submitter. Criteria: LabCorp Variant Classification Summary - May 2015. Collection method: clinical testing. Allele origin: germline.
Comment: Variant summary: PKD1 c.5848G>A (p.Val1950Met) results in a conservative amino acid change in the encoded protein sequence. Three of five in-silico tools predict a damaging effect of the variant on protein function. The variant allele was found at a frequency of 4.4e-06 in 228774 control chromosomes (gnomAD). The available data on variant occurrences in the general population are insufficient to allow any conclusion about variant significance. c.5848G>A has been reported in the literature as a putative hypomorphic allele in an individual with a prenatal ultrasound diagnosis of polycystic kidney disease, postnatal massively enlarged kidneys and neonatal death (Gilbert_2013, Durkie_2021). The variant was compound heterozygous with a pathogenic truncating variant inherited from a parent affected with typical ADPKD. These data do not allow any conclusion about variant significance. To our knowledge, no experimental evidence demonstrating an impact on protein function has been reported. The following publications have been ascertained in the context of this evaluation (PMID: 33168999, 22008521, 23624871). ClinVar contains an entry for this variant (Variation ID: 931719). Based on the evidence outlined above, the variant was classified as uncertain significance.

Department of Pathology and Laboratory Medicine, Sinai Health System
Classification: Uncertain significance for Polycystic kidney disease, adult type. Last evaluated: 2024-06-25. Review status: criteria provided, single submitter. Criteria: ACMG Guidelines, 2015. Collection method: clinical testing. Allele origin: germline. Affected: yes.

Centre for Mendelian Genomics, University Medical Centre Ljubljana
Classification: Uncertain significance for Polycystic kidney disease, adult type. Last evaluated: 2019-10-07. Review status: criteria provided, single submitter. Criteria: ACMG Guidelines, 2015. Collection method: clinical testing. Allele origin: unknown. Affected: yes.
Comment: This variant was classified as: Uncertain significance. The available evidence on this variant's pathogenicity is insufficient or conflicting. The following ACMG criteria were applied in classifying this variant: No criteria apply.

Literature cited by the submitters: PubMed 33168999 (cited by Women's Health and Genetics/Laboratory Corporation of America, LabCorp); PubMed 22008521 (cited by Women's Health and Genetics/Laboratory Corporation of America, LabCorp and Department of Pathology and Laboratory Medicine, Sinai Health System); PubMed 23624871 (cited by Women's Health and Genetics/Laboratory Corporation of America, LabCorp).

NM_001009944.3(PKD1):c.5848G>A (p.Val1950Met)

Gene: PKD1 (polycystin 1, transient receptor potential channel interacting; minus strand). Cytogenetic location: 16p13.3.
Variant type: single nucleotide variant.
Coding change: c.5848G>A on transcript NM_001009944.3 (MANE Select); coding-DNA position 5848, G replaced by A.
Protein change: p.Val1950Met; replaces valine 1950 with methionine.
Molecular consequence: missense variant.
Genome position (GRCh38, 1-based): chr16:2,109,319, C>T on the plus strand (G>A on the coding strand, the complement: PKD1 is on the minus strand). VCF-style: chr16-2109319-C-T. GRCh37 (hg19) VCF-style: chr16-2159320-C-T.
Other names: c.5848G>A, p.Val1950Met (NM_000296.4); short protein forms V1950M.
Identifiers: ClinVar variation 931719 (VCV000931719.6), dbSNP rs771669643, ClinGen allele CA7831831.
Genomic context (GRCh38, chr16:2,109,319, plus strand): 5'-CCTCCAGCACCACGATGCGCACCTGCGCCTGGGCCCAGCTCACGTGGTTTTTGCCCCGCA[C>T]GCTCACCACGTGGTCTCCGACGCGGGGGAAGCTGTGGGAGAAACGGGGCCCGGGGAGCAC-3'
Protein context (NP_001009944.3, residues 1940-1960): FPRVGDHVVS[Val1950Met]RGKNHVSWAQ